The following is an entry in ClinVar:

NM_000069.3(CACNA1S):c.2564G>C (p.Gly855Ala)

Gene: CACNA1S (calcium voltage-gated channel subunit alpha1 S; minus strand). Cytogenetic location: 1q32.1.
Variant type: single nucleotide variant.
Coding change: c.2564G>C on transcript NM_000069.3 (MANE Select); coding-DNA position 2564, G replaced by C.
Protein change: p.Gly855Ala; replaces glycine 855 with alanine.
Molecular consequence: missense variant.
Genome position (GRCh38, 1-based): chr1:201,066,980, C>G on the plus strand (G>C on the coding strand, the complement: CACNA1S is on the minus strand). VCF-style: chr1-201066980-C-G. GRCh37 (hg19) VCF-style: chr1-201036108-C-G.
Other names: short protein forms G855A.
Identifiers: ClinVar variation 4758439 (VCV004758439.1).

ClinVar aggregate classification (germline): Uncertain significance (1 of 4 stars; one submission).

Conditions:
Malignant hyperthermia, susceptibility to, 5 (MHS5). Also called: CACNA1S-Related Malignant Hyperthermia Susceptibility. Identifiers: Orphanet 423, MedGen C1866077, MONDO:0011163, OMIM 601887.

gnomAD v4.1: 1 of 1,613,618 alleles (0.000062%); highest among the groups gnomAD compares: Non-Finnish European, 0.000085%; no homozygotes.

Submission:

Color Diagnostics, LLC DBA Color Health
Classification: Uncertain significance for Malignant hyperthermia, susceptibility to, 5. Last evaluated: 2025-06-30. Review status: criteria provided, single submitter. Criteria: ACMG Guidelines, 2015. Collection method: clinical testing. Allele origin: germline.
Comment: This missense variant replaces glycine with alanine at codon 855 of the CACNA1S protein. Computational prediction suggests that this variant may have deleterious impact on protein structure and function. To our knowledge, functional studies have not been reported for this variant. This variant has not been reported in individuals affected with CACNA1S-related disorders in the literature. This variant has been identified in 2/251046 chromosomes in the general population by the Genome Aggregation Database (gnomAD). The available evidence is insufficient to determine the role of this variant in disease conclusively. Therefore, this variant is classified as a Variant of Uncertain Significance.